The following is an entry in ClinVar:

NM_000090.4(COL3A1):c.4176G>A (p.Leu1392=)

Gene: COL3A1 (collagen type III alpha 1 chain; plus strand). Cytogenetic location: 2q32.2.
Variant type: single nucleotide variant.
Coding change: c.4176G>A on transcript NM_000090.4 (MANE Select); coding-DNA position 4176, G replaced by A.
Protein change: p.Leu1392=; no amino-acid change (leucine 1392 retained).
Molecular consequence: synonymous variant.
Genome position (GRCh38, 1-based): chr2:189,010,812, G>A. VCF-style: chr2-189010812-G-A. GRCh37 (hg19) VCF-style: chr2-189875538-G-A.
Identifiers: ClinVar variation 772135 (VCV000772135.19), dbSNP rs758221289, ClinGen allele CA076491.

ClinVar aggregate classification (germline): Likely benign. Review status: criteria provided, multiple submitters, no conflicts (2 of 4 stars). 7 submissions from 7 submitters: Likely benign (5). 2 of the submissions do not count toward it. Last evaluated 2026-06-09.

Conditions:
Familial thoracic aortic aneurysm and aortic dissection (TAAD). Also called: Thoracic aortic aneurysms and dissections. Identifiers: Orphanet 91387, MedGen C4707243, MONDO:0019625.
Ehlers-Danlos syndrome, type 4 (EDSVASC). Also called: Ehlers-Danlos syndrome vascular type; Ehlers Danlos syndrome, ecchymotic type; Ehlers Danlos syndrome, arterial type; Ehlers Danlos syndrome, Sack-Barabas type; Ehlers-Danlos Syndrome Type IV. Identifiers: Orphanet 286, MedGen C0268338, MONDO:0017314, OMIM 130050.

Allele frequency attached by ClinVar (database versions not stated): TOPMed 0.00001; gnomAD exomes 0.00002; ExAC 0.00003.
gnomAD v4.1: 25 of 1,614,154 alleles (0.0015%); highest among the groups gnomAD compares: Non-Finnish European, 0.0019%; no homozygotes.

Submissions (7):

Women's Health and Genetics/Laboratory Corporation of America, LabCorp
Classification: Likely benign. Last evaluated: 2026-06-09. Review status: criteria provided, single submitter. Criteria: LabCorp Variant Classification Summary - May 2015. Collection method: clinical testing. Allele origin: germline.

CeGaT Center for Human Genetics Tuebingen
Classification: Likely benign. Last evaluated: 2026-01-01. Review status: criteria provided, single submitter. Criteria: CeGaT Center For Human Genetics Tuebingen Variant Classification Criteria Version 2. Collection method: clinical testing. Allele origin: germline. Affected: yes. Observed: 1 variant allele.
Comment: COL3A1: BP4, BP7

Ambry Genetics
Classification: Likely benign for Familial thoracic aortic aneurysm and aortic dissection. Last evaluated: 2025-05-26. Review status: criteria provided, single submitter. Criteria: Ambry Variant Classification Scheme 2023. Collection method: clinical testing. Allele origin: germline.

Labcorp Genetics (formerly Invitae), Labcorp
Classification: Likely benign for Ehlers-Danlos syndrome, type 4. Last evaluated: 2024-10-17. Review status: criteria provided, single submitter. Criteria: Invitae Variant Classification Sherloc (09022015). Collection method: clinical testing. Allele origin: germline.

Color Diagnostics, LLC DBA Color Health
Classification: Likely benign for Familial thoracic aortic aneurysm and aortic dissection. Last evaluated: 2018-11-09. Review status: criteria provided, single submitter. Criteria: ACMG Guidelines, 2015. Collection method: clinical testing. Allele origin: germline.

Clinical Genetics DNA and cytogenetics Diagnostics Lab, Erasmus MC, Erasmus Medical Center
Classification: Likely benign. Review status: no assertion criteria provided. Collection method: clinical testing. Allele origin: germline. Affected: yes. Study: VKGL Data-share Consensus. Not counted in ClinVar's aggregate classification.

Genome Diagnostics Laboratory, Amsterdam University Medical Center
Classification: Likely benign. Review status: no assertion criteria provided. Collection method: clinical testing. Allele origin: germline. Affected: yes. Study: VKGL Data-share Consensus. Not counted in ClinVar's aggregate classification.